The following is an entry in ClinVar:

ClinVar aggregate classification (germline): Uncertain significance (1 of 4 stars; one submission).

Conditions:
Ehlers-Danlos syndrome, kyphoscoliotic type 1 (EDSKSCL1). Also called: EHLERS-DANLOS SYNDROME, OCULAR-SCOLIOTIC TYPE; Ehlers-Danlos syndrome, hydroxylysine-deficient; EHLERS-DANLOS SYNDROME, TYPE VIA; PLOD1-Related Kyphoscoliotic Ehlers-Danlos Syndrome. Identifiers: Orphanet 1900, MedGen C0268342, MONDO:0016002, OMIM 225400. Disease mechanism: loss of function.

Allele frequency attached by ClinVar (database versions not stated): gnomAD exomes below 0.00001.
gnomAD v4.1: 4 of 1,613,560 alleles (0.00025%); highest among the groups gnomAD compares: Non-Finnish European, 0.00034%; no homozygotes.

Submission:

Labcorp Genetics (formerly Invitae), Labcorp
Classification: Uncertain significance for Ehlers-Danlos syndrome, kyphoscoliotic type 1. Last evaluated: 2023-05-19. Review status: criteria provided, single submitter. Criteria: Invitae Variant Classification Sherloc (09022015). Collection method: clinical testing. Allele origin: germline.
Comment: In summary, the available evidence is currently insufficient to determine the role of this variant in disease. Therefore, it has been classified as a Variant of Uncertain Significance. Advanced modeling of protein sequence and biophysical properties (such as structural, functional, and spatial information, amino acid conservation, physicochemical variation, residue mobility, and thermodynamic stability) performed at Invitae indicates that this missense variant is expected to disrupt PLOD1 protein function. This variant has not been reported in the literature in individuals affected with PLOD1-related conditions. This variant is not present in population databases (gnomAD no frequency). This sequence change replaces leucine, which is neutral and non-polar, with arginine, which is basic and polar, at codon 466 of the PLOD1 protein (p.Leu466Arg).

NM_000302.4(PLOD1):c.1397T>G (p.Leu466Arg)

Gene: PLOD1 (procollagen-lysine,2-oxoglutarate 5-dioxygenase 1; plus strand). Cytogenetic location: 1p36.22.
Variant type: single nucleotide variant.
Coding change: c.1397T>G on transcript NM_000302.4 (MANE Select); coding-DNA position 1397, T replaced by G.
Protein change: p.Leu466Arg; replaces leucine 466 with arginine.
Molecular consequence: missense variant.
Genome position (GRCh38, 1-based): chr1:11,964,712, T>G. VCF-style: chr1-11964712-T-G. GRCh37 (hg19) VCF-style: chr1-12024769-T-G.
Other names: c.1538T>G, p.Leu513Arg (NM_001316320.2); short protein forms L466R, L513R.
Identifiers: ClinVar variation 2851846 (VCV002851846.3), dbSNP rs2522854204, ClinGen allele CA338443516.